The following is an entry in ClinVar:

NM_003242.6(TGFBR2):c.1408T>A (p.Tyr470Asn)

Gene: TGFBR2 (transforming growth factor beta receptor 2; plus strand). Cytogenetic location: 3p24.1.
Variant type: single nucleotide variant.
Coding change: c.1408T>A on transcript NM_003242.6 (MANE Select); coding-DNA position 1408, T replaced by A.
Protein change: p.Tyr470Asn; replaces tyrosine 470 with asparagine.
Molecular consequence: missense variant.
Genome position (GRCh38, 1-based): chr3:30,688,395, T>A. VCF-style: chr3-30688395-T-A. GRCh37 (hg19) VCF-style: chr3-30729887-T-A.
Other names: c.1483T>A, p.Tyr495Asn (NM_001024847.3); c.1591T>A, p.Tyr531Asn (NM_001407126.1); c.1516T>A, p.Tyr506Asn (NM_001407127.1); c.1435T>A, p.Tyr479Asn (NM_001407128.1); c.1411T>A, p.Tyr471Asn (NM_001407129.1); c.1405T>A, p.Tyr469Asn (NM_001407130.1); c.1303T>A, p.Tyr435Asn (NM_001407132.1, NM_001407133.1, NM_001407134.1 and 2 more transcripts); c.1123T>A, p.Tyr375Asn (NM_001407137.1); and 2 more; short protein forms Y470N, Y495N, Y180N, Y479N, Y531N, Y435N, Y469N, Y350N.
Identifiers: ClinVar variation 664584 (VCV000664584.7), dbSNP rs863224935, ClinGen allele CA351809210.

ClinVar aggregate classification (germline): Uncertain significance. Review status: criteria provided, multiple submitters, no conflicts (2 of 4 stars). 2 submissions from 2 submitters: Uncertain significance (2). Last evaluated 2021-10-11.

Conditions:
Familial thoracic aortic aneurysm and aortic dissection (TAAD). Also called: Thoracic aortic aneurysms and dissections. Identifiers: Orphanet 91387, MedGen C4707243, MONDO:0019625.

Submissions (2):

AiLife Diagnostics
Classification: Uncertain significance. Last evaluated: 2021-10-11. Review status: criteria provided, single submitter. Criteria: ACMG Guidelines, 2015. Collection method: clinical testing. Allele origin: germline. Affected: yes. Observed: 1 variant allele.

Labcorp Genetics (formerly Invitae), Labcorp
Classification: Uncertain significance for Familial thoracic aortic aneurysm and aortic dissection. Last evaluated: 2018-09-07. Review status: criteria provided, single submitter. Criteria: Invitae Variant Classification Sherloc (09022015). Collection method: clinical testing. Allele origin: germline.
Comment: In summary, the available evidence is currently insufficient to determine the role of this variant in disease. Therefore, it has been classified as a Variant of Uncertain Significance. Algorithms developed to predict the effect of missense changes on protein structure and function are either unavailable or do not agree on the potential impact of this missense change (SIFT: "Deleterious"; PolyPhen-2: "Probably Damaging"; Align-GVGD: "Class C0"). This sequence change replaces tyrosine with asparagine at codon 470 of the TGFBR2 protein (p.Tyr470Asn). The tyrosine residue is highly conserved and there is a large physicochemical difference between tyrosine and asparagine. This variant is not present in population databases (ExAC no frequency). This variant has not been reported in the literature in individuals with TGFBR2-related disease.